The following is an entry in ClinVar:

ClinVar aggregate classification (germline): Uncertain significance. Review status: criteria provided, multiple submitters, no conflicts (2 of 4 stars). 2 submissions from 2 submitters: Uncertain significance (2). Last evaluated 2025-08-13.

Conditions:
Inborn genetic diseases. Identifiers: MedGen C0950123, MeSH D030342.
MEGF8-related Carpenter syndrome. Also called: Carpenter syndrome 2. Identifiers: Orphanet 65759, MedGen C3554247, MONDO:0013998, OMIM 614976.

Allele frequency attached by ClinVar (database versions not stated): gnomAD 0.00006 and 0.00007; gnomAD exomes 0.00009 and 0.00011; ExAC 0.00011; TOPMed 0.00011; ESP Exome Variant Server 0.00015.
gnomAD v4.1: 144 of 1,611,842 alleles (0.0089%); highest among the groups gnomAD compares: Middle Eastern, 0.034%; no homozygotes.

Submissions (2):

Ambry Genetics
Classification: Uncertain significance for Inborn genetic diseases. Last evaluated: 2025-08-13. Review status: criteria provided, single submitter. Criteria: Ambry Variant Classification Scheme 2023. Collection method: clinical testing. Allele origin: germline.

Labcorp Genetics (formerly Invitae), Labcorp
Classification: Uncertain significance for MEGF8-related Carpenter syndrome. Last evaluated: 2023-10-13. Review status: criteria provided, single submitter. Criteria: Invitae Variant Classification Sherloc (09022015). Collection method: clinical testing. Allele origin: germline.
Comment: This sequence change replaces arginine, which is basic and polar, with glutamine, which is neutral and polar, at codon 714 of the MEGF8 protein (p.Arg714Gln). This variant is present in population databases (rs146355445, gnomAD 0.1%). This variant has not been reported in the literature in individuals affected with MEGF8-related conditions. ClinVar contains an entry for this variant (Variation ID: 1388606). An algorithm developed to predict the effect of missense changes on protein structure and function (PolyPhen-2) suggests that this variant¬†is likely to be tolerated. In summary, the available evidence is currently insufficient to determine the role of this variant in disease. Therefore, it has been classified as a Variant of Uncertain Significance.

NM_001271938.2(MEGF8):c.2342G>A (p.Arg781Gln)

Gene: MEGF8 (multiple EGF like domains 8; plus strand). Cytogenetic location: 19q13.2.
Variant type: single nucleotide variant.
Coding change: c.2342G>A on transcript NM_001271938.2 (MANE Select); coding-DNA position 2342, G replaced by A.
Protein change: p.Arg781Gln; replaces arginine 781 with glutamine.
Molecular consequence: missense variant.
Genome position (GRCh38, 1-based): chr19:42,349,542, G>A. VCF-style: chr19-42349542-G-A. GRCh37 (hg19) VCF-style: chr19-42853694-G-A.
Other names: c.2141G>A (NM_001410.2); c.2141G>A, p.Arg714Gln (NM_001410.3); short protein forms R714Q, R781Q.
Identifiers: ClinVar variation 1388606 (VCV001388606.9), dbSNP rs146355445, ClinGen allele CA9474709.